The following is an entry in ClinVar:

ClinVar aggregate classification (germline): Likely benign (0 of 4 stars; one submission).

Conditions:
BRD4-related disorder. Also called: BRD4-related condition.

Allele frequency attached by ClinVar (database versions not stated): gnomAD 0.00001; TOPMed 0.00001.

Submission:

PreventionGenetics, part of Exact Sciences
Classification: Likely benign for BRD4-related condition. Last evaluated: 2019-05-21. Review status: no assertion criteria provided. Collection method: clinical testing. Allele origin: germline.
Comment: This variant is classified as likely benign based on ACMG/AMP sequence variant interpretation guidelines (Richards et al. 2015 PMID: 25741868, with internal and published modifications).

NM_001379291.1(BRD4):c.1219C>T (p.Leu407=)

Gene: BRD4 (bromodomain containing 4; minus strand). Cytogenetic location: 19p13.12.
Variant type: single nucleotide variant.
Coding change: c.1219C>T on transcript NM_001379291.1 (MANE Select); coding-DNA position 1219, C replaced by T.
Protein change: p.Leu407=; no amino-acid change (leucine 407 retained).
Molecular consequence: synonymous variant.
Genome position (GRCh38, 1-based): chr19:15,263,542, G>A on the plus strand (C>T on the coding strand, the complement: BRD4 is on the minus strand). VCF-style: chr19-15263542-G-A. GRCh37 (hg19) VCF-style: chr19-15374353-G-A.
Other names: c.1219C>T, p.Leu407= (NM_001330384.2, NM_001379292.1, NM_014299.3 and 1 more transcripts).
Identifiers: ClinVar variation 3038717 (VCV003038717.2), dbSNP rs201905395, ClinGen allele CA305774303.